The following is an entry in ClinVar:

NM_001377540.1(SLMAP):c.1457A>T (p.Glu486Val)

Gene: SLMAP (sarcolemma associated protein; plus strand). Cytogenetic location: 3p14.3.
Variant type: single nucleotide variant.
Coding change: c.1457A>T on transcript NM_001377540.1 (MANE Select); coding-DNA position 1457, A replaced by T.
Protein change: p.Glu486Val; replaces glutamic acid 486 with valine.
Molecular consequence: missense variant. On other transcripts: non-coding transcript variant (1).
Genome position (GRCh38, 1-based): chr3:57,896,888, A>T. VCF-style: chr3-57896888-A-T. GRCh37 (hg19) VCF-style: chr3-57882615-A-T.
Other names: c.1406A>T, p.Glu469Val (NM_001304420.3, NM_001377541.1, NM_001377542.1 and 2 more transcripts); c.1292A>T, p.Glu431Val (NM_001304421.2, NM_001377557.1, NM_001377559.1 and 1 more transcripts); c.8A>T, p.Glu3Val (NM_001304422.3, NM_001304423.3, NM_001311178.2 and 4 more transcripts); c.1457A>T, p.Glu486Val (NM_001377538.1, NM_001377539.1, NM_001377555.1); c.1394A>T, p.Glu465Val (NM_001377545.1, NM_001377922.1); c.1355A>T, p.Glu452Val (NM_001377549.1, NM_001377923.1, NM_007159.5); c.1343A>T, p.Glu448Val (NM_001377551.1, NM_001377552.1, NM_001377924.1); short protein forms E3V, E431V, E448V, E452V, E465V, E469V, E486V.
Identifiers: ClinVar variation 3225998 (VCV003225998.1), dbSNP rs764183885, ClinGen allele CA2467149.

ClinVar aggregate classification (germline): Uncertain significance (1 of 4 stars; one submission).

Allele frequency attached by ClinVar (database versions not stated): TOPMed below 0.00001; ExAC 0.00001; gnomAD exomes 0.00001.
gnomAD v4.1: 7 of 1,610,210 alleles (0.00043%); highest among the groups gnomAD compares: Admixed American, 0.012%; no homozygotes.

Submission:

Ambry Genetics
Classification: Uncertain significance. Last evaluated: 2023-10-19. Review status: criteria provided, single submitter. Criteria: Ambry Variant Classification Scheme 2023. Collection method: clinical testing. Allele origin: germline.
Comment: The p.E452V variant (also known as c.1355A>T), located in coding exon 14 of the SLMAP gene, results from an A to T substitution at nucleotide position 1355. The glutamic acid at codon 452 is replaced by valine, an amino acid with dissimilar properties. This amino acid position is conserved. In addition, this alteration is predicted to be tolerated by in silico analysis. Since supporting evidence is limited at this time, the clinical significance of this alteration remains unclear.